The following is an entry in ClinVar:

ClinVar aggregate classification (germline): Uncertain significance (1 of 4 stars; one submission).

Conditions:
Cardioacrofacial dysplasia 1. Identifiers: MedGen C5436885, MONDO:0030876, OMIM 619142.

Submission:

Neuberg Centre For Genomic Medicine, NCGM
Classification: Uncertain significance for Cardioacrofacial dysplasia 1. Last evaluated: 2023-06-22. Review status: criteria provided, single submitter. Criteria: ACMG Guidelines, 2015. Collection method: clinical testing. Allele origin: germline. Inheritance: Autosomal dominant inheritance. Affected: yes.
Comment: The missense variant c.327C>A (p.Phe109Leu) in the PRKACA gene has not been reported previously as a pathogenic variant nor as a benign variant, to our knowledge. This variant is absent in the gnomAD Exomes. The amino acid Phe at position 109 is changed to a Leu changing protein sequence and it might alter its composition and physico-chemical properties. Computational evidence (Polyphen, SIFT and MutationTaster) predicts conflicting evidence on protein structure and function for this variant. The amino acid change p.Phe109Leu in PRKACA is predicted as conserved by PhyloP across 100 vertebrates. For these reasons, this variant has been classified as Uncertain Significance.

NM_002730.4(PRKACA):c.327C>A (p.Phe109Leu)

Gene: PRKACA (protein kinase cAMP-activated catalytic subunit alpha; minus strand). Cytogenetic location: 19p13.12.
Variant type: single nucleotide variant.
Coding change: c.327C>A on transcript NM_002730.4 (MANE Select); coding-DNA position 327, C replaced by A.
Protein change: p.Phe109Leu; replaces phenylalanine 109 with leucine.
Molecular consequence: missense variant.
Genome position (GRCh38, 1-based): chr19:14,102,825, G>T on the plus strand (C>A on the coding strand, the complement: PRKACA is on the minus strand). VCF-style: chr19-14102825-G-T. GRCh37 (hg19) VCF-style: chr19-14213637-G-T.
Other names: c.555C>A, p.Phe185Leu (NM_001304349.2); c.303C>A, p.Phe101Leu (NM_207518.3); short protein forms F101L, F109L, F185L.
Identifiers: ClinVar variation 3603291 (VCV003603291.2).
Genomic context (GRCh38, chr19:14,102,825, plus strand): 5'-AGGCTGGGACCCAATGCAGTGACCCCCCGCCCTTGGCCACTGGGACCCCACCTTGAAGGA[G>T]AACTCGAGTTTGACGAGGAACGGAAAGTTGACAGCTTGCAGGATGCGCTTTTCATTCAGG-3'
Protein context (NP_002721.1, residues 99-119): VNFPFLVKLE[Phe109Leu]SFKDNSNLYM